The following is an entry in ClinVar:

NM_000368.5(TSC1):c.1439-13C>T

Gene: TSC1 (TSC complex subunit 1; minus strand). Cytogenetic location: 9q34.13.
Variant type: single nucleotide variant.
Coding change: c.1439-13C>T on transcript NM_000368.5 (MANE Select); 13 bases into the intron before coding-DNA position 1439, C replaced by T.
Molecular consequence: intron variant.
Genome position (GRCh38, 1-based): chr9:132,906,152, G>A on the plus strand (C>T on the coding strand, the complement: TSC1 is on the minus strand). VCF-style: chr9-132906152-G-A. GRCh37 (hg19) VCF-style: chr9-135781539-G-A.
Other names: c.1076-13C>T (NM_001362177.2); c.1286-13C>T (NM_001162427.2); c.1436-13C>T (NM_001162426.2).
Identifiers: ClinVar variation 511619 (VCV000511619.2), dbSNP rs1554816089, ClinGen allele CA658797323.
Genomic context (GRCh38, chr9:132,906,152, plus strand): 5'-GCTCTGCCTCTGCTGTGGTGATCTCAGAAAGTTCTCTAGATATTGCAGCTGAGAGGAAGA[G>A]AGGAAACAAAAGAAATGGCAGTCGGTATTCCACCTGGGAAAGACTAGGCAGTTTGGGTGG-3'

ClinVar aggregate classification (germline): Likely benign. Review status: criteria provided, multiple submitters, no conflicts (2 of 4 stars). 2 submissions from 2 submitters: Likely benign (2). Last evaluated 2025-04-09.

Conditions:
Tuberous sclerosis 1 (TSC1). Identifiers: Orphanet 805, MedGen C1854465, MONDO:0008612, OMIM 191100.

Submissions (2):

Myriad Genetics, Inc.
Classification: Likely benign for Tuberous sclerosis 1. Last evaluated: 2025-04-09. Review status: criteria provided, single submitter. Criteria: Myriad Autosomal Dominant, Autosomal Recessive and X-Linked Classification Criteria (2023). Collection method: clinical testing. Allele origin: unknown.
Comment: This variant is considered likely benign. This variant is intronic and is not expected to impact mRNA splicing.

GeneDx
Classification: Likely benign. Last evaluated: 2017-08-25. Review status: criteria provided, single submitter. Criteria: GeneDx Variant Classification (06012015). Collection method: clinical testing. Allele origin: germline. Affected: yes.
Comment: This variant is considered likely benign or benign based on one or more of the following criteria: it is a conservative change, it occurs at a poorly conserved position in the protein, it is predicted to be benign by multiple in silico algorithms, and/or has population frequency not consistent with disease.